The following is an entry in ClinVar:

ClinVar aggregate classification (germline): Uncertain significance (1 of 4 stars; one submission).

Conditions:
Mitochondrial trifunctional protein deficiency. Identifiers: Orphanet 746, MedGen C1969443, MONDO:0012172.

gnomAD v4.1: 4 of 1,613,984 alleles (0.00025%); highest among the groups gnomAD compares: Admixed American, 0.0067%; no homozygotes.

Submission:

Labcorp Genetics (formerly Invitae), Labcorp
Classification: Uncertain significance for Mitochondrial trifunctional protein deficiency. Last evaluated: 2024-04-14. Review status: criteria provided, single submitter. Criteria: Invitae Variant Classification Sherloc (09022015). Collection method: clinical testing. Allele origin: germline.
Comment: This sequence change replaces alanine, which is neutral and non-polar, with threonine, which is neutral and polar, at codon 457 of the HADHB protein (p.Ala457Thr). This variant is present in population databases (no rsID available, gnomAD 0.009%). This variant has not been reported in the literature in individuals affected with HADHB-related conditions. Advanced modeling of protein sequence and biophysical properties (such as structural, functional, and spatial information, amino acid conservation, physicochemical variation, residue mobility, and thermodynamic stability) performed at Invitae indicates that this missense variant is expected to disrupt HADHB protein function with a positive predictive value of 80%. In summary, the available evidence is currently insufficient to determine the role of this variant in disease. Therefore, it has been classified as a Variant of Uncertain Significance.

NM_000183.3(HADHB):c.1369G>A (p.Ala457Thr)

Gene: HADHB (hydroxyacyl-CoA dehydrogenase trifunctional multienzyme complex subunit beta; plus strand). Cytogenetic location: 2p23.3.
Variant type: single nucleotide variant.
Coding change: c.1369G>A on transcript NM_000183.3 (MANE Select); coding-DNA position 1369, G replaced by A.
Protein change: p.Ala457Thr; replaces alanine 457 with threonine.
Molecular consequence: missense variant.
Genome position (GRCh38, 1-based): chr2:26,285,551, G>A. VCF-style: chr2-26285551-G-A. GRCh37 (hg19) VCF-style: chr2-26508419-G-A.
Other names: c.1324G>A, p.Ala442Thr (NM_001281512.2); c.1303G>A, p.Ala435Thr (NM_001281513.2); short protein forms A435T, A442T, A457T.
Identifiers: ClinVar variation 3614961 (VCV003614961.2).